The following is an entry in ClinVar:

ClinVar aggregate classification (germline): Conflicting classifications of pathogenicity. Review status: criteria provided, conflicting classifications (1 of 4 stars). 4 submissions from 4 submitters: Uncertain significance (3); Likely benign (1). Last evaluated 2024-08-16.

Allele frequency attached by ClinVar (database versions not stated): gnomAD 0.00002 and 0.00003; TOPMed 0.00004.
gnomAD v4.1: 15 of 1,613,620 alleles (0.00093%); highest among the groups gnomAD compares: East Asian, 0.031%; no homozygotes.

Submissions (4):

Women's Health and Genetics/Laboratory Corporation of America, LabCorp
Classification: Uncertain significance. Last evaluated: 2024-08-16. Review status: criteria provided, single submitter. Criteria: LabCorp Variant Classification Summary - May 2015. Collection method: clinical testing. Allele origin: germline.
Comment: Variant summary: ABCA4 c.2311A>T (p.Thr771Ser) results in a conservative amino acid change located in the ABC-2 type transporter, transmembrane domain (IPR013525) of the encoded protein sequence. Four of five in-silico tools predict a benign effect of the variant on protein function. The variant allele was found at a frequency of 6.4e-05 in 250568 control chromosomes. This frequency is not significantly higher than estimated for a pathogenic variant in ABCA4 causing Retinitis Pigmentosa (6.4e-05 vs 0.0014), allowing no conclusion about variant significance. c.2311A>T has been reported in the literature in a compound heterozygous individuals affected with Retinitis Pigmentosa (Corradi_2023). These report(s) do not provide unequivocal conclusions about association of the variant with Retinitis Pigmentosa. To our knowledge, no experimental evidence demonstrating an impact on protein function has been reported. The following publication have been ascertained in the context of this evaluation (PMID: 37705246). ClinVar contains an entry for this variant (Variation ID: 836903). Based on the evidence outlined above, the variant was classified as uncertain significance.

Labcorp Genetics (formerly Invitae), Labcorp
Classification: Likely benign. Last evaluated: 2023-10-15. Review status: criteria provided, single submitter. Criteria: Invitae Variant Classification Sherloc (09022015). Collection method: clinical testing. Allele origin: germline.

Blueprint Genetics
Classification: Uncertain significance. Last evaluated: 2023-01-24. Review status: criteria provided, single submitter. Criteria: ACMG Guidelines, 2015. Collection method: clinical testing. Allele origin: germline.

GeneDx
Classification: Uncertain significance. Last evaluated: 2022-06-16. Review status: criteria provided, single submitter. Criteria: GeneDx Variant Classification Process June 2021. Collection method: clinical testing. Allele origin: germline. Affected: yes.
Comment: In silico analysis supports that this missense variant does not alter protein structure/function; Has not been previously published as pathogenic or benign to our knowledge

Literature cited by the submitters: PubMed 37705246 (cited by Women's Health and Genetics/Laboratory Corporation of America, LabCorp).

NM_000350.3(ABCA4):c.2311A>T (p.Thr771Ser)

Gene: ABCA4 (ATP binding cassette subfamily A member 4; minus strand). Cytogenetic location: 1p22.1.
Variant type: single nucleotide variant.
Coding change: c.2311A>T on transcript NM_000350.3 (MANE Select); coding-DNA position 2311, A replaced by T.
Protein change: p.Thr771Ser; replaces threonine 771 with serine.
Molecular consequence: missense variant.
Genome position (GRCh38, 1-based): chr1:94,056,672, T>A on the plus strand (A>T on the coding strand, the complement: ABCA4 is on the minus strand). VCF-style: chr1-94056672-T-A. GRCh37 (hg19) VCF-style: chr1-94522228-T-A.
Other names: short protein forms T771S.
Identifiers: ClinVar variation 836903 (VCV000836903.13), dbSNP rs758090662, ClinGen allele CA958310.